The following is an entry in ClinVar:

ClinVar aggregate classification (germline): Conflicting classifications of pathogenicity. Review status: criteria provided, conflicting classifications (1 of 4 stars). 11 submissions from 7 submitters: Uncertain significance (5); Benign (3); Likely benign (3). Last evaluated 2025-12-08.

Conditions:
Cardiovascular phenotype. Identifiers: MedGen CN230736.
TTN-related disorder. Also called: TTN-related condition; TTN-related disease; TTN-related disorders.
Autosomal recessive limb-girdle muscular dystrophy type 2J (LGMDR10). Also called: Limb-girdle muscular dystrophy, type 2J; MUSCULAR DYSTROPHY, LIMB-GIRDLE, AUTOSOMAL RECESSIVE 10. Identifiers: Orphanet 140922, MedGen C1837342, MONDO:0012127, OMIM 608807.
Dilated cardiomyopathy 1G (CMD1G). Identifiers: Orphanet 154, MedGen C1858763, MONDO:0011400, OMIM 604145.
Tibial muscular dystrophy (TMD). Also called: Udd Distal Myopathy – Tibial Muscular Dystrophy; UDD MYOPATHY; Tibial muscular dystrophy, tardive. Identifiers: Orphanet 609, MedGen C1838244, MONDO:0010870, OMIM 600334.
Early-onset myopathy with fatal cardiomyopathy (CMYO5). Also called: Salih Myopathy; CONGENITAL MYOPATHY 5 WITH CARDIOMYOPATHY. Identifiers: Orphanet 289377, MedGen C2673677, MONDO:0012714, OMIM 611705. Disease mechanism: loss of function.
Myopathy, myofibrillar, 9, with early respiratory failure (MFM9). Also called: Hereditary myopathy with early respiratory failure; MYOPATHY, PROXIMAL, WITH EARLY RESPIRATORY MUSCLE INVOLVEMENT; EDSTROM MYOPATHY; Myopathy, distal, with early respiratory failure, autosomal dominant. Identifiers: Orphanet 178464, Orphanet 34521, MedGen C1863599, MONDO:0011362, OMIM 603689.

Allele frequency attached by ClinVar (database versions not stated): gnomAD exomes 0.00004 and 0.00014; gnomAD 0.00008 and 0.00009; ExAC 0.00013; TOPMed 0.00017; 1000 Genomes Project 0.00020; 1000 Genomes Project 30x 0.00031.
gnomAD v4.1: 75 of 1,612,646 alleles (0.0047%); highest among the groups gnomAD compares: East Asian, 0.063%; no homozygotes.

Submissions (11):

Labcorp Genetics (formerly Invitae), Labcorp
Classification: Likely benign for Dilated cardiomyopathy 1G; Autosomal recessive limb-girdle muscular dystrophy type 2J. Last evaluated: 2025-12-08. Review status: criteria provided, single submitter. Criteria: Invitae Variant Classification Sherloc (09022015). Collection method: clinical testing. Allele origin: germline.

Revvity Omics, Revvity
Classification: Uncertain significance. Last evaluated: 2025-04-14. Review status: criteria provided, single submitter. Criteria: ACMG Guidelines, 2015. Collection method: clinical testing. Allele origin: germline.

PreventionGenetics, part of Exact Sciences
Classification: Likely benign for TTN-related condition. Last evaluated: 2025-03-27. Review status: criteria provided, single submitter. Criteria: ACMG Guidelines, 2015. Collection method: clinical testing. Allele origin: germline.
Comment: This variant is classified as likely benign based on ACMG/AMP sequence variant interpretation guidelines (Richards et al. 2015 PMID: 25741868, with internal and published modifications).

Ambry Genetics
Classification: Benign for Cardiovascular phenotype. Last evaluated: 2020-07-21. Review status: criteria provided, single submitter. Criteria: Ambry Variant Classification Scheme 2023. Collection method: clinical testing. Allele origin: germline.

GeneDx
Classification: Likely benign. Last evaluated: 2020-03-26. Review status: criteria provided, single submitter. Criteria: GeneDx Variant Classification Process June 2021. Collection method: clinical testing. Allele origin: germline. Affected: yes.
Comment: This variant is associated with the following publications: (PMID: 29568937)

Eurofins Ntd Llc (ga)
Classification: Uncertain significance. Last evaluated: 2018-08-23. Review status: criteria provided, single submitter. Criteria: EGL ClinVar v180209 classification definitions. Collection method: clinical testing. Allele origin: germline. Observed: 1 variant allele, 1 heterozygote.

Illumina Laboratory Services, Illumina
Classification: Benign for Tibial muscular dystrophy. Last evaluated: 2018-02-02. Review status: criteria provided, single submitter. Criteria: ICSL Variant Classification Criteria 13 December 2019. Collection method: clinical testing. Allele origin: germline.
Comment: This variant was observed in the ICSL laboratory as part of a predisposition screen in an ostensibly healthy population. It had not been previously curated by ICSL or reported in the Human Gene Mutation Database (HGMD: prior to June 1st, 2018), and was therefore a candidate for classification through an automated scoring system. Utilizing variant allele frequency, disease prevalence and penetrance estimates, and inheritance mode, an automated score was calculated to assess if this variant is too frequent to cause the disease. Based on the score and internal cut-off values, a variant classified as benign is not then subjected to further curation. The score for this variant resulted in a classification of benign for this disease.

Illumina Laboratory Services, Illumina
Classification: Uncertain significance for Autosomal recessive limb-girdle muscular dystrophy type 2J. Last evaluated: 2018-02-02. Review status: criteria provided, single submitter. Criteria: ICSL Variant Classification Criteria 13 December 2019. Collection method: clinical testing. Allele origin: germline.

Illumina Laboratory Services, Illumina
Classification: Uncertain significance for Early-onset myopathy with fatal cardiomyopathy. Last evaluated: 2018-02-02. Review status: criteria provided, single submitter. Criteria: ICSL Variant Classification Criteria 13 December 2019. Collection method: clinical testing. Allele origin: germline.

Illumina Laboratory Services, Illumina
Classification: Benign for Myopathy, myofibrillar, 9, with early respiratory failure. Last evaluated: 2018-02-02. Review status: criteria provided, single submitter. Criteria: ICSL Variant Classification Criteria 13 December 2019. Collection method: clinical testing. Allele origin: germline.
Comment: the same text as in the submission from Illumina Laboratory Services, Illumina above.

Illumina Laboratory Services, Illumina
Classification: Uncertain significance for Dilated cardiomyopathy 1G. Last evaluated: 2018-02-02. Review status: criteria provided, single submitter. Criteria: ICSL Variant Classification Criteria 13 December 2019. Collection method: clinical testing. Allele origin: germline.

NM_001267550.2(TTN):c.76610G>A (p.Arg25537His)

Genes: TTN (titin; minus strand), TTN-AS1 (TTN antisense RNA 1; plus strand). Cytogenetic location: 2q31.2.
Variant type: single nucleotide variant.
Coding change: c.76610G>A on transcript NM_001267550.2 (MANE Select); coding-DNA position 76610, G replaced by A.
Protein change: p.Arg25537His; replaces arginine 25537 with histidine.
Molecular consequence: missense variant.
Genome position (GRCh38, 1-based): chr2:178,569,522, C>T on the plus strand (G>A on the coding strand, the complement: TTN is on the minus strand). VCF-style: chr2-178569522-C-T. GRCh37 (hg19) VCF-style: chr2-179434249-C-T.
Other names: c.71687G>A, p.Arg23896His (NM_001256850.1); c.49415G>A, p.Arg16472His (NM_003319.4); c.68906G>A, p.Arg22969His (NM_133378.4); c.49790G>A, p.Arg16597His (NM_133432.3); c.49991G>A, p.Arg16664His (NM_133437.4); short protein forms R25537H, R22969H, R23896H, R16664H, R16472H, R16597H.
Identifiers: ClinVar variation 467490 (VCV000467490.26), dbSNP rs561977468, ClinGen allele CA1989884.